The following is an entry in ClinVar:

ClinVar aggregate classification (germline): Conflicting classifications of pathogenicity. Review status: criteria provided, conflicting classifications (1 of 4 stars). 2 submissions from 2 submitters: Uncertain significance (1); Likely benign (1). Last evaluated 2024-05-22.

Conditions:
GM1 gangliosidosis. Identifiers: Orphanet 354, MedGen C0085131, MONDO:0018149.
Mucopolysaccharidosis, MPS-IV-B (MPS4B). Also called: Mucopolysaccharidosis type IV B; MORQUIO SYNDROME B; Mucopolysaccharidosis type 4B; Mucopolysaccharidosis type IVB (Morquio); MPS IVB; Mucopolysaccharidosis Type IVB (Morquio B Disease). Identifiers: Orphanet 309310, Orphanet 582, MedGen C0086652, MONDO:0009660, OMIM 253010.

Allele frequency attached by ClinVar (database versions not stated): gnomAD 0.00001; ExAC 0.00002; gnomAD exomes 0.00003; TOPMed 0.00003.
gnomAD v4.1: 46 of 1,613,994 alleles (0.0029%); highest among the groups gnomAD compares: Admixed American, 0.005%; no homozygotes.

Submissions (2):

Blueprint Genetics
Classification: Likely benign. Last evaluated: 2024-05-22. Review status: criteria provided, single submitter. Criteria: ACMG Guidelines, 2015. Collection method: clinical testing. Allele origin: germline.

Labcorp Genetics (formerly Invitae), Labcorp
Classification: Uncertain significance for Mucopolysaccharidosis, MPS-IV-B; GM1 gangliosidosis. Last evaluated: 2022-08-06. Review status: criteria provided, single submitter. Criteria: Invitae Variant Classification Sherloc (09022015). Collection method: clinical testing. Allele origin: germline.
Comment: This sequence change replaces arginine, which is basic and polar, with glutamine, which is neutral and polar, at codon 38 of the GLB1 protein (p.Arg38Gln). This variant is present in population databases (rs776884523, gnomAD 0.003%). This variant has not been reported in the literature in individuals affected with GLB1-related conditions. Advanced modeling of protein sequence and biophysical properties (such as structural, functional, and spatial information, amino acid conservation, physicochemical variation, residue mobility, and thermodynamic stability) performed at Invitae indicates that this missense variant is not expected to disrupt GLB1 protein function. In summary, the available evidence is currently insufficient to determine the role of this variant in disease. Therefore, it has been classified as a Variant of Uncertain Significance.

NM_000404.4(GLB1):c.113G>A (p.Arg38Gln)

Gene: GLB1 (galactosidase beta 1; minus strand). Cytogenetic location: 3p22.3.
Variant type: single nucleotide variant.
Coding change: c.113G>A on transcript NM_000404.4 (MANE Select); coding-DNA position 113, G replaced by A.
Protein change: p.Arg38Gln; replaces arginine 38 with glutamine.
Molecular consequence: missense variant.
Genome position (GRCh38, 1-based): chr3:33,072,676, C>T on the plus strand (G>A on the coding strand, the complement: GLB1 is on the minus strand). VCF-style: chr3-33072676-C-T. GRCh37 (hg19) VCF-style: chr3-33114168-C-T.
Other names: c.23G>A, p.Arg8Gln (NM_001079811.3); c.113G>A, p.Arg38Gln (NM_001135602.3, NM_001393580.1); c.257G>A, p.Arg86Gln (NM_001317040.2); short protein forms R8Q, R38Q, R86Q.
Identifiers: ClinVar variation 2072119 (VCV002072119.2), dbSNP rs776884523, ClinGen allele CA2299781.